The following is an entry in ClinVar:

ClinVar aggregate classification (germline): Pathogenic (1 of 4 stars; one submission).

Conditions:
Congenital lactic acidosis, Saguenay-Lac-Saint-Jean type (MC4DN5). Also called: CYTOCHROME c OXIDASE DEFICIENCY, FRENCH CANADIAN TYPE; COX DEFICIENCY, FRENCH CANADIAN TYPE; MITOCHONDRIAL COMPLEX IV DEFICIENCY, NUCLEAR TYPE 5. Identifiers: Orphanet 70472, MedGen C1857355, MONDO:0009069, OMIM 220111.

Submission:

Myriad Genetics, Inc.
Classification: Pathogenic for Congenital lactic acidosis, Saguenay-Lac-Saint-Jean type. Last evaluated: 2024-05-29. Review status: criteria provided, single submitter. Criteria: Myriad Autosomal Dominant, Autosomal Recessive and X-Linked Classification Criteria (2023). Collection method: clinical testing. Allele origin: unknown.
Comment: NM_133259.3(LRPPRC):c.653dupA(I219Dfs*8) is expected to be pathogenic in the context of Leigh syndrome, French-Canadian type. This variant is predicted to lead to an abnormal or absent protein product due to the creation of a premature termination codon in LRPPRC, a gene where loss-of-function variants are known to be pathogenic. Please note: this variant was assessed in the context of healthy population screening.

NM_133259.4(LRPPRC):c.653dup (p.Ile219fs)

Gene: LRPPRC (leucine rich pentatricopeptide repeat containing; minus strand). Cytogenetic location: 2p21.
Variant type: Duplication.
Coding change: c.653dup on transcript NM_133259.4 (MANE Select); coding-DNA position 653, one base duplicated (A; older notation c.653dupA).
Protein change: p.Ile219fs; shifts the reading frame from isoleucine 219.
Molecular consequence: frameshift variant.
Genome position (GRCh38, 1-based): chr2:43,976,227, T duplicated on the plus strand (A on the coding strand, the reverse complement: LRPPRC is on the minus strand); the first of 2 consecutive T bases (chr2:43,976,227-43,976,228); duplicating either gives the same sequence. VCF-style (leftmost placement, unchanged base first): chr2-43976226-C-CT. GRCh37 (hg19) VCF-style: chr2-44203365-C-CT.
Other names: short protein forms I219fs.
Identifiers: ClinVar variation 5013124 (VCV005013124.1).
Genomic context (GRCh38, chr2:43,976,226, plus strand): 5'-AAGGGCACTGAATACTGCCTCTGTAACTGGGAGATCCTTAGTTTTCATAAATCCAAGAAT[C>CT]TTGCTGCAAAGGAAAAACGAAGATACTCATTGAAAGTATTTATAAGAACACTCTTTACAA-3'